The following is an entry in ClinVar:

NM_000202.8(IDS):c.1353_1357del (p.Tyr452fs)

Gene: IDS (iduronate 2-sulfatase; minus strand). Cytogenetic location: Xq28.
Variant type: Deletion.
Coding change: c.1353_1357del on transcript NM_000202.8 (MANE Select); coding-DNA positions 1353 to 1357, 5 bases deleted (GTACC; older notation c.1353_1357delGTACC).
Protein change: p.Tyr452fs; shifts the reading frame from tyrosine 452.
Molecular consequence: frameshift variant.
Genome position (GRCh38, 1-based): chrX:149,483,042-149,483,046, GGTAC deleted on the plus strand (GTACC on the coding strand, the reverse complement: IDS is on the minus strand); deleting any 5 consecutive bases within chrX:149,483,042-149,483,048 gives the same sequence; the c. name uses the placement nearest the transcript's 3' end. VCF-style (leftmost placement, unchanged base first): chrX-149483041-AGGTAC-A. GRCh37 (hg19) VCF-style: chrX-148564572-AGGTAC-A.
Other names: c.1083_1087del, p.Tyr362fs (NM_001166550.4); short protein forms Y362fs, Y452fs.
Identifiers: ClinVar variation 988699 (VCV000988699.3), dbSNP rs2089306333, ClinGen allele CA2465004028.

ClinVar aggregate classification (germline): Pathogenic. Review status: criteria provided, single submitter (1 of 4 stars). 2 submissions from 2 submitters: Pathogenic (1). 1 of the submissions does not count toward it. Last evaluated 2024-06-07.

Conditions:
Mucopolysaccharidosis, MPS-II (MPS2). Also called: IDS deficiency; Sulfoiduronate sulfatase deficiency; SIDS deficiency; Mucopolysaccharidosis type 2; Mucopolysaccharidosis Type II; Attenuated MPS (subtype; formerly known as mild MPS II). Identifiers: Orphanet 580, Orphanet 79388, MedGen C0026705, MONDO:0010674, OMIM 309900.

Submissions (2):

Laboratory of Diagnosis and Therapy of Lysosomal Disorders, University of Padova
Classification: Pathogenic for Mucopolysaccharidosis, MPS-II. Last evaluated: 2024-06-07. Review status: criteria provided, single submitter. Criteria: ACMG Guidelines, 2015. Collection method: literature only. Allele origin: germline. Affected: yes. Observed: 1 variant allele.
Comment: Null variant (PVS1_Strong), Absent from controls (or at low frequency) in gnomAD database (PM2_Moderate), Patient’s phenotype or family history highly specific for the disease (PP4_Strong)

Classification method: ACMG Guidelines [PMID:25741868] with modifications

Laboratory of Inherited Metabolic Diseases, Research centre for medical genetics
Classification: Pathogenic for Mucopolysaccharidosis, type II; MPS2. Review status: no assertion criteria provided. Collection method: research. Allele origin: germline. Affected: yes. Not counted in ClinVar's aggregate classification.

Literature cited by the submitters: PubMed 33676511 (cited by Laboratory of Diagnosis and Therapy of Lysosomal Disorders, University of Padova).